The following is an entry in ClinVar:

NM_018489.3(ASH1L):c.7261C>T (p.Arg2421Ter)

Gene: ASH1L (ASH1 like histone lysine methyltransferase; minus strand). Cytogenetic location: 1q22.
Variant type: single nucleotide variant.
Coding change: c.7261C>T on transcript NM_018489.3 (MANE Select); coding-DNA position 7261, C replaced by T.
Protein change: p.Arg2421Ter; replaces arginine 2421 with a stop codon.
Molecular consequence: nonsense.
Genome position (GRCh38, 1-based): chr1:155,352,811, G>A on the plus strand (C>T on the coding strand, the complement: ASH1L is on the minus strand). VCF-style: chr1-155352811-G-A. GRCh37 (hg19) VCF-style: chr1-155322602-G-A.
Other names: c.7276C>T, p.Arg2426Ter (NM_001366177.2); short protein forms R2421*, R2426*.
Identifiers: ClinVar variation 3903177 (VCV003903177.1).
Genomic context (GRCh38, chr1:155,352,811, plus strand): 5'-CTAGGCGGGCTGCCCGAGCCACTTCAATATTTTCCTCTGCAGCTGCCAACCGTCTTGTTC[G>A]AACAGATCGAGCTGTCTGCAGGGCAGAGAACTGGGTCATGAAGACATCTGGAAAAATAAA-3'

ClinVar aggregate classification (germline): Pathogenic (1 of 4 stars; one submission).

Submission:

GeneDx
Classification: Pathogenic. Last evaluated: 2024-11-22. Review status: criteria provided, single submitter. Criteria: GeneDx Variant Classification Process June 2021. Collection method: clinical testing. Allele origin: germline. Affected: yes.
Comment: De novo variant in patients with ASH1L-related features in the published literature (PMID: 29276005, 28135719, 34373061); Nonsense variant predicted to result in protein truncation or nonsense mediated decay in a gene for which loss of function is a known mechanism of disease; Not observed at significant frequency in large population cohorts (gnomAD); This variant is associated with the following publications: (PMID: 33057194, 28135719, 35982159, 31785789, 29753921, 29276005, 34373061)